The following is an entry in ClinVar:

ClinVar aggregate classification (germline): Uncertain significance (1 of 4 stars; one submission).

Conditions:
X-linked distal spinal muscular atrophy type 3. Also called: ATP7A-Related Distal Motor Neuropathy; NEURONOPATHY, DISTAL HEREDITARY MOTOR, X-LINKED; NEUROPATHY, DISTAL HEREDITARY MOTOR, X-LINKED; SPINAL MUSCULAR ATROPHY, DISTAL, X-LINKED RECESSIVE. Identifiers: Orphanet 139557, MedGen C1845359, MONDO:0010338, OMIM 300489.
Menkes kinky-hair syndrome (MNK). Also called: Classic Menkes Disease; Copper transport disease; Menkes Disease. Identifiers: Orphanet 565, MedGen C0022716, MONDO:0010651, OMIM 309400.
Cutis laxa, X-linked (OHS). Also called: EDS IX; Occipital horn syndrome. Identifiers: Orphanet 198, MedGen C0268353, MONDO:0010572, OMIM 304150.

Allele frequency attached by ClinVar (database versions not stated): ExAC 0.00001; gnomAD exomes 0.00001.

Submission:

Labcorp Genetics (formerly Invitae), Labcorp
Classification: Uncertain significance for X-linked distal spinal muscular atrophy type 3; Cutis laxa, X-linked; Menkes kinky-hair syndrome. Last evaluated: 2025-06-03. Review status: criteria provided, single submitter. Criteria: Invitae Variant Classification Sherloc (09022015). Collection method: clinical testing. Allele origin: germline.
Comment: This sequence change replaces valine, which is neutral and non-polar, with glycine, which is neutral and non-polar, at codon 858 of the ATP7A protein (p.Val858Gly). This variant is present in population databases (rs782094714, gnomAD 0.001%), including at least one homozygous and/or hemizygous individual. This variant has not been reported in the literature in individuals affected with ATP7A-related conditions. ClinVar contains an entry for this variant (Variation ID: 1422690). Invitae Evidence Modeling of protein sequence and biophysical properties (such as structural, functional, and spatial information, amino acid conservation, physicochemical variation, residue mobility, and thermodynamic stability) has been performed for this missense variant. However, the output from this modeling did not meet the statistical confidence thresholds required to predict the impact of this variant on ATP7A protein function. In summary, the available evidence is currently insufficient to determine the role of this variant in disease. Therefore, it has been classified as a Variant of Uncertain Significance.

NM_000052.7(ATP7A):c.2573T>G (p.Val858Gly)

Gene: ATP7A (ATPase copper transporting alpha; plus strand). Cytogenetic location: Xq21.1.
Variant type: single nucleotide variant.
Coding change: c.2573T>G on transcript NM_000052.7 (MANE Select); coding-DNA position 2573, T replaced by G.
Protein change: p.Val858Gly; replaces valine 858 with glycine.
Molecular consequence: missense variant.
Genome position (GRCh38, 1-based): chrX:78,015,828, T>G. VCF-style: chrX-78015828-T-G. GRCh37 (hg19) VCF-style: chrX-77271325-T-G.
Other names: c.2339T>G, p.Val780Gly (NM_001282224.2); short protein forms V780G, V858G.
Identifiers: ClinVar variation 1422690 (VCV001422690.4), dbSNP rs782094714, ClinGen allele CA10459294.